The following is an entry in ClinVar:

NM_006147.4(IRF6):c.711C>A (p.Tyr237Ter)

Gene: IRF6 (interferon regulatory factor 6; minus strand). Cytogenetic location: 1q32.2.
Variant type: single nucleotide variant.
Coding change: c.711C>A on transcript NM_006147.4 (MANE Select); coding-DNA position 711, C replaced by A.
Protein change: p.Tyr237Ter; replaces tyrosine 237 with a stop codon.
Molecular consequence: nonsense.
Genome position (GRCh38, 1-based): chr1:209,790,844, G>T on the plus strand (C>A on the coding strand, the complement: IRF6 is on the minus strand). VCF-style: chr1-209790844-G-T. GRCh37 (hg19) VCF-style: chr1-209964189-G-T.
Other names: c.426C>A, p.Tyr142Ter (NM_001206696.2); short protein forms Y142*, Y237*.
Identifiers: ClinVar variation 1197820 (VCV001197820.2), dbSNP rs201940391, ClinGen allele CA344577956.
Genomic context (GRCh38, chr1:209,790,844, plus strand): 5'-ACCCAGGTCCCCATAGAAGAGTCGGCAGCCCTGAGGGTTGCTCACGGTCATGGTCTGCCC[G>T]TACTCCTTCCCACGGTACTGAAACTTGATGTCCAGGTCAGTCACTGCAAGGTTAGAGATG-3'

ClinVar aggregate classification (germline): Pathogenic (1 of 4 stars; one submission).

Submission:

GeneDx
Classification: Pathogenic. Last evaluated: 2021-05-06. Review status: criteria provided, single submitter. Criteria: GeneDx Variant Classification Process June 2021. Collection method: clinical testing. Allele origin: germline. Affected: yes.
Comment: Nonsense variant predicted to result in protein truncation or nonsense mediated decay in a gene for which loss-of-function is a known mechanism of disease; Not observed in large population cohorts (Lek et al., 2016); This variant is associated with the following publications: (PMID: 23154523)